The following is an entry in ClinVar:

NM_012210.4(TRIM32):c.236A>T (p.Asn79Ile)

Genes: ASTN2 (astrotactin 2; minus strand), TRIM32 (tripartite motif containing 32; plus strand). Cytogenetic location: 9q33.1.
Variant type: single nucleotide variant.
Coding change: c.236A>T on transcript NM_012210.4 (MANE Select); coding-DNA position 236, A replaced by T.
Protein change: p.Asn79Ile; replaces asparagine 79 with isoleucine.
Molecular consequence: missense variant. On other transcripts: intron variant (3).
Genome position (GRCh38, 1-based): chr9:116,697,978, A>T. VCF-style: chr9-116697978-A-T. GRCh37 (hg19) VCF-style: chr9-119460257-A-T.
Other names: c.2794+27793T>A (NM_001365069.1); c.2806+27793T>A (NM_001365068.1); c.236A>T, p.Asn79Ile (NM_001099679.2, NM_001379048.1, NM_001379049.1 and 1 more transcripts); c.2653+27793T>A (NM_014010.5); short protein forms N79I.
Identifiers: ClinVar variation 2132190 (VCV002132190.3), dbSNP rs775738712, ClinGen allele CA374647855.

ClinVar aggregate classification (germline): Uncertain significance. Review status: criteria provided, single submitter (1 of 4 stars). 2 submissions from 2 submitters: Uncertain significance (1). 1 of the submissions does not count toward it. Last evaluated 2022-05-06.

Conditions:
Retinal dystrophy. Also called: Inherited retinal dystrophy. Identifiers: Orphanet 71862, MedGen C0854723, MeSH D058499, MONDO:0019118, HP:0000556.
Bardet-Biedl syndrome (BBS). Identifiers: Orphanet 110, MedGen C0752166, MONDO:0015229.

Submissions (2):

Labcorp Genetics (formerly Invitae), Labcorp
Classification: Uncertain significance for Bardet-Biedl syndrome. Last evaluated: 2022-05-06. Review status: criteria provided, single submitter. Criteria: Invitae Variant Classification Sherloc (09022015). Collection method: clinical testing. Allele origin: germline.
Comment: This sequence change replaces asparagine, which is neutral and polar, with isoleucine, which is neutral and non-polar, at codon 79 of the TRIM32 protein (p.Asn79Ile). This variant is not present in population databases (gnomAD no frequency). This variant has not been reported in the literature in individuals affected with TRIM32-related conditions. Algorithms developed to predict the effect of missense changes on protein structure and function (SIFT, PolyPhen-2, Align-GVGD) all suggest that this variant is likely to be disruptive. In summary, the available evidence is currently insufficient to determine the role of this variant in disease. Therefore, it has been classified as a Variant of Uncertain Significance.

Institute of Human Genetics, Univ. Regensburg, Univ. Regensburg
Classification: Uncertain significance for Retinal dystrophy. Last evaluated: 2022-01-01. Review status: no assertion criteria provided. Criteria: ACMG Guidelines, 2015. Collection method: clinical testing. Allele origin: germline. Affected: yes. Not counted in ClinVar's aggregate classification.